The following is an entry in ClinVar:

NM_024301.5(FKRP):c.211C>A (p.Leu71Met)

Gene: FKRP (fukutin related protein; plus strand). Cytogenetic location: 19q13.32.
Variant type: single nucleotide variant.
Coding change: c.211C>A on transcript NM_024301.5 (MANE Select); coding-DNA position 211, C replaced by A.
Protein change: p.Leu71Met; replaces leucine 71 with methionine.
Molecular consequence: missense variant.
Genome position (GRCh38, 1-based): chr19:46,755,661, C>A. VCF-style: chr19-46755661-C-A. GRCh37 (hg19) VCF-style: chr19-47258918-C-A.
Other names: c.211C>A, p.Leu71Met (NM_001039885.3); short protein forms L71M.
Identifiers: ClinVar variation 1965857 (VCV001965857.2), dbSNP rs2122610964, ClinGen allele CA406494881.

ClinVar aggregate classification (germline): Uncertain significance (1 of 4 stars; one submission).

Conditions:
Walker-Warburg congenital muscular dystrophy. Also called: Muscular dystrophy-dystroglycanopathy, type A; Walker-Warburg syndrome. Identifiers: Orphanet 899, MedGen C0265221, MONDO:0000171.

gnomAD v4.1: 2 of 1,596,382 alleles (0.00013%); highest among the groups gnomAD compares: Admixed American, 0.0017%; no homozygotes.

Submission:

Labcorp Genetics (formerly Invitae), Labcorp
Classification: Uncertain significance for Walker-Warburg congenital muscular dystrophy. Last evaluated: 2021-08-18. Review status: criteria provided, single submitter. Criteria: Invitae Variant Classification Sherloc (09022015). Collection method: clinical testing. Allele origin: germline.
Comment: This sequence change replaces leucine with methionine at codon 71 of the FKRP protein (p.Leu71Met). The leucine residue is highly conserved and there is a small physicochemical difference between leucine and methionine. This variant is not present in population databases (ExAC no frequency). This variant has not been reported in the literature in individuals affected with FKRP-related conditions. Algorithms developed to predict the effect of missense changes on protein structure and function are either unavailable or do not agree on the potential impact of this missense change (SIFT: "Deleterious"; PolyPhen-2: "Probably Damaging"; Align-GVGD: "Class C0"). In summary, the available evidence is currently insufficient to determine the role of this variant in disease. Therefore, it has been classified as a Variant of Uncertain Significance.